The following is an entry in ClinVar:

NM_001277313.2(FMN1):c.2044-1834T>C

Gene: FMN1 (formin 1; minus strand). Cytogenetic location: 15q13.3.
Variant type: single nucleotide variant.
Coding change: c.2044-1834T>C on transcript NM_001277313.2 (MANE Select); 1834 bases into the intron before coding-DNA position 2044, T replaced by C.
Molecular consequence: intron variant. On other transcripts: missense variant (1).
Genome position (GRCh38, 1-based): chr15:33,066,908, A>G on the plus strand (T>C on the coding strand, the complement: FMN1 is on the minus strand). VCF-style: chr15-33066908-A-G. GRCh37 (hg19) VCF-style: chr15-33359109-A-G.
Other names: c.977T>C, p.Val326Ala (NM_001103184.4); short protein forms V326A.
Identifiers: ClinVar variation 2989981 (VCV002989981.3), dbSNP rs2037757472, ClinGen allele CA391569998.

ClinVar aggregate classification (germline): Uncertain significance (1 of 4 stars; one submission).

Allele frequency attached by ClinVar (database versions not stated): gnomAD exomes below 0.00001; TOPMed below 0.00001.
gnomAD v4.1: 6 of 1,613,726 alleles (0.00037%); highest among the groups gnomAD compares: Non-Finnish European, 0.00051%; no homozygotes.

Submission:

Labcorp Genetics (formerly Invitae), Labcorp
Classification: Uncertain significance. Last evaluated: 2024-02-23. Review status: criteria provided, single submitter. Criteria: Invitae Variant Classification Sherloc (09022015). Collection method: clinical testing. Allele origin: germline.
Comment: This sequence change replaces valine, which is neutral and non-polar, with alanine, which is neutral and non-polar, at codon 326 of the FMN1 protein (p.Val326Ala). This variant is not present in population databases (gnomAD no frequency). This variant has not been reported in the literature in individuals affected with FMN1-related conditions. Experimental studies and prediction algorithms are not available or were not evaluated, and the functional significance of this variant is currently unknown. In summary, the available evidence is currently insufficient to determine the role of this variant in disease. Therefore, it has been classified as a Variant of Uncertain Significance.